The following is an entry in ClinVar:

NM_004036.5(ADCY3):c.*6C>T

Genes: ADCY3 (adenylate cyclase 3; minus strand), CENPO (centromere protein O; plus strand). Cytogenetic location: 2p23.3.
Variant type: single nucleotide variant.
Coding change: c.*6C>T on transcript NM_004036.5 (MANE Select); 6 bases downstream of the stop codon, C replaced by T.
Molecular consequence: 3 prime UTR variant. On other transcripts: non-coding transcript variant (3).
Genome position (GRCh38, 1-based): chr2:24,819,926, G>A on the plus strand (C>T on the coding strand, the complement: ADCY3 is on the minus strand). VCF-style: chr2-24819926-G-A. GRCh37 (hg19) VCF-style: chr2-25042795-G-A.
Other names: c.*6C>T (NM_001320613.2, NM_001377128.1, NM_001377129.1 and 2 more transcripts); c.*182C>T (NM_001377130.1); c.*608G>A (NM_001199803.3, NM_001322101.2, NM_024322.4).
Identifiers: ClinVar variation 4980992 (VCV004980992.1).

ClinVar aggregate classification (germline): Likely benign (1 of 4 stars; one submission).

Conditions:
ADCY3-related disorder. Also called: ADCY3-related condition.

gnomAD v4.1: 208 of 1,613,084 alleles (0.013%); highest among the groups gnomAD compares: South Asian, 0.2%; 4 homozygotes.

Submission:

PreventionGenetics, part of Exact Sciences
Classification: Likely benign for ADCY3-related condition. Last evaluated: 2025-08-08. Review status: criteria provided, single submitter. Criteria: ACMG Guidelines, 2015. Collection method: clinical testing. Allele origin: germline.
Comment: This variant is classified as likely benign based on ACMG/AMP sequence variant interpretation guidelines (Richards et al. 2015 PMID: 25741868, with internal and published modifications).